The following is an entry in ClinVar:

ClinVar aggregate classification (germline): Uncertain significance. Review status: criteria provided, multiple submitters, no conflicts (2 of 4 stars). 3 submissions from 3 submitters: Uncertain significance (3). Last evaluated 2025-02-06.

Conditions:
Immunodeficiency 14 (IMD14A). Also called: IMMUNODEFICIENCY 14A WITH LYMPHOPROLIFERATION, AUTOSOMAL DOMINANT; Activated PI3K Delta Syndrome Type 1 (APDS1); p110-DELTA-ACTIVATING MUTATION CAUSING SENESCENT T CELLS, LYMPHADENOPATHY, AND IMMUNODEFICIENCY; ACTIVATED PI3K-DELTA SYNDROME 1. Identifiers: Orphanet 397596, Orphanet 693661, MedGen C5907821, MONDO:0014222, OMIM 615513.
Inborn genetic diseases. Identifiers: MedGen C0950123, MeSH D030342.

Allele frequency attached by ClinVar (database versions not stated): ExAC 0.00001; gnomAD 0.00001; gnomAD exomes 0.00001; TOPMed below 0.00001.
gnomAD v4.1: 11 of 1,613,810 alleles (0.00068%); highest among the groups gnomAD compares: South Asian, 0.0033%; no homozygotes.

Submissions (3):

Labcorp Genetics (formerly Invitae), Labcorp
Classification: Uncertain significance for Activated PI3K-delta syndrome. Last evaluated: 2025-02-06. Review status: criteria provided, single submitter. Criteria: Invitae Variant Classification Sherloc (09022015). Collection method: clinical testing. Allele origin: germline.
Comment: This sequence change replaces arginine, which is basic and polar, with glutamine, which is neutral and polar, at codon 1016 of the PIK3CD protein (p.Arg1016Gln). This variant is present in population databases (rs750587940, gnomAD 0.003%). This variant has not been reported in the literature in individuals affected with PIK3CD-related conditions. ClinVar contains an entry for this variant (Variation ID: 2242662). Invitae Evidence Modeling of protein sequence and biophysical properties (such as structural, functional, and spatial information, amino acid conservation, physicochemical variation, residue mobility, and thermodynamic stability) indicates that this missense variant is not expected to disrupt PIK3CD protein function with a negative predictive value of 80%. In summary, the available evidence is currently insufficient to determine the role of this variant in disease. Therefore, it has been classified as a Variant of Uncertain Significance.

Blueprint Genetics
Classification: Uncertain significance. Last evaluated: 2024-04-29. Review status: criteria provided, single submitter. Criteria: ACMG Guidelines, 2015. Collection method: clinical testing. Allele origin: germline.

Ambry Genetics
Classification: Uncertain significance for Inborn genetic diseases. Last evaluated: 2022-04-22. Review status: criteria provided, single submitter. Criteria: Ambry Variant Classification Scheme 2023. Collection method: clinical testing. Allele origin: germline.

NM_005026.5(PIK3CD):c.3047G>A (p.Arg1016Gln)

Gene: PIK3CD (phosphatidylinositol-4,5-bisphosphate 3-kinase catalytic subunit delta; plus strand). Cytogenetic location: 1p36.22.
Variant type: single nucleotide variant.
Coding change: c.3047G>A on transcript NM_005026.5 (MANE Select); coding-DNA position 3047, G replaced by A.
Protein change: p.Arg1016Gln; replaces arginine 1016 with glutamine.
Molecular consequence: missense variant.
Genome position (GRCh38, 1-based): chr1:9,726,958, G>A. VCF-style: chr1-9726958-G-A. GRCh37 (hg19) VCF-style: chr1-9787016-G-A.
Other names: c.3044G>A, p.Arg1015Gln (NM_001350234.2); c.2960G>A, p.Arg987Gln (NM_001350235.1); short protein forms R1015Q, R1016Q, R987Q.
Identifiers: ClinVar variation 2242662 (VCV002242662.5), dbSNP rs750587940, ClinGen allele CA577725.